The following is an entry in ClinVar:

ClinVar aggregate classification (germline): Uncertain significance. Review status: criteria provided, multiple submitters, no conflicts (2 of 4 stars). 2 submissions from 2 submitters: Uncertain significance (2). Last evaluated 2025-12-12.

Conditions:
Inborn genetic diseases. Identifiers: MedGen C0950123, MeSH D030342.
Spastic paraplegia. Identifiers: MedGen C0037772, HP:0001258.

Submissions (2):

Labcorp Genetics (formerly Invitae), Labcorp
Classification: Uncertain significance for Spastic paraplegia. Last evaluated: 2025-12-12. Review status: criteria provided, single submitter. Criteria: Invitae Variant Classification Sherloc (09022015). Collection method: clinical testing. Allele origin: germline.
Comment: This sequence change replaces lysine, which is basic and polar, with arginine, which is basic and polar, at codon 653 of the KIF5A protein (p.Lys653Arg). This variant is present in population databases (no rsID available, gnomAD 0.0009%). This variant has not been reported in the literature in individuals affected with KIF5A-related conditions. ClinVar contains an entry for this variant (Variation ID: 3013951). Invitae Evidence Modeling of protein sequence and biophysical properties (such as structural, functional, and spatial information, amino acid conservation, physicochemical variation, residue mobility, and thermodynamic stability) indicates that this missense variant is not expected to disrupt KIF5A protein function with a negative predictive value of 95%. In summary, the available evidence is currently insufficient to determine the role of this variant in disease. Therefore, it has been classified as a Variant of Uncertain Significance.

Ambry Genetics
Classification: Uncertain significance for Inborn genetic diseases. Last evaluated: 2025-01-15. Review status: criteria provided, single submitter. Criteria: Ambry Variant Classification Scheme 2023. Collection method: clinical testing. Allele origin: germline.

NM_004984.4(KIF5A):c.1958A>G (p.Lys653Arg)

Gene: KIF5A (kinesin family member 5A; plus strand). Cytogenetic location: 12q13.3.
Variant type: single nucleotide variant.
Coding change: c.1958A>G on transcript NM_004984.4 (MANE Select); coding-DNA position 1958, A replaced by G.
Protein change: p.Lys653Arg; replaces lysine 653 with arginine.
Molecular consequence: missense variant.
Genome position (GRCh38, 1-based): chr12:57,575,692, A>G. VCF-style: chr12-57575692-A-G. GRCh37 (hg19) VCF-style: chr12-57969475-A-G.
Other names: c.1958A>G (NM_004984.2); c.1691A>G, p.Lys564Arg (NM_001354705.2); short protein forms K564R, K653R.
Identifiers: ClinVar variation 3013951 (VCV003013951.4), dbSNP rs1438614778, ClinGen allele CA385510512.
Genomic context (GRCh38, chr12:57,575,692, plus strand): 5'-CCCACCAGCATGAGGCCAAGATCCGCTCGCTTACGGAATACATGCAGAGCGTGGAGCTAA[A>G]GAAGCGGCACCTGGAAGAGTCCTATGACTCCTTGAGCGATGAGCTGGCCAAGCTCCAGGC-3'
Protein context (NP_004975.2, residues 643-663): LTEYMQSVEL[Lys653Arg]KRHLEESYDS